The following is an entry in ClinVar:

NM_004387.4(NKX2-5):c.170C>A (p.Ala57Asp)

Gene: NKX2-5 (NK2 homeobox 5; minus strand). Cytogenetic location: 5q35.1.
Variant type: single nucleotide variant.
Coding change: c.170C>A on transcript NM_004387.4 (MANE Select); coding-DNA position 170, C replaced by A.
Protein change: p.Ala57Asp; replaces alanine 57 with aspartic acid.
Molecular consequence: missense variant.
Genome position (GRCh38, 1-based): chr5:173,234,914, G>T on the plus strand (C>A on the coding strand, the complement: NKX2-5 is on the minus strand). VCF-style: chr5-173234914-G-T. GRCh37 (hg19) VCF-style: chr5-172661917-G-T.
Other names: c.170C>A, p.Ala57Asp (NM_001166175.2, NM_001166176.2); short protein forms A57D.
Identifiers: ClinVar variation 3368943 (VCV003368943.1).

ClinVar aggregate classification (germline): Uncertain significance (1 of 4 stars; one submission).

gnomAD v4.1: 1 of 1,609,930 alleles (0.000062%); no homozygotes.

Submission:

GeneDx
Classification: Uncertain significance. Last evaluated: 2024-02-06. Review status: criteria provided, single submitter. Criteria: GeneDx Variant Classification Process June 2021. Collection method: clinical testing. Allele origin: germline. Affected: yes.
Comment: Has not been previously published as pathogenic or benign to our knowledge; Not observed at significant frequency in large population cohorts (gnomAD); In silico analysis supports that this missense variant does not alter protein structure/function